The following is an entry in ClinVar:

NM_000551.4(VHL):c.268A>T (p.Asn90Tyr)

Gene: VHL (von Hippel-Lindau tumor suppressor; plus strand). Cytogenetic location: 3p25.3.
Variant type: single nucleotide variant.
Coding change: c.268A>T on transcript NM_000551.4 (MANE Select); coding-DNA position 268, A replaced by T.
Protein change: p.Asn90Tyr; replaces asparagine 90 with tyrosine.
Molecular consequence: missense variant.
Genome position (GRCh38, 1-based): chr3:10,142,115, A>T. VCF-style: chr3-10142115-A-T. GRCh37 (hg19) VCF-style: chr3-10183799-A-T.
Other names: c.268A>T, p.Asn90Tyr (NM_001354723.2, NM_198156.3); short protein forms N90Y.
Identifiers: ClinVar variation 633017 (VCV000633017.1), dbSNP rs1559426031, ClinGen allele CA351750702.

ClinVar aggregate classification (germline): Uncertain significance (1 of 4 stars; one submission).

Submission:

Women's Health and Genetics/Laboratory Corporation of America, LabCorp
Classification: Uncertain significance. Last evaluated: 2018-11-09. Review status: criteria provided, single submitter. Criteria: LabCorp Variant Classification Summary - May 2015. Collection method: clinical testing. Allele origin: germline.
Comment: Variant summary: VHL c.268A>T (p.Asn90Tyr) results in a non-conservative amino acid change located in the beta domain of the encoded protein sequence. Five of five in-silico tools predict a damaging effect of the variant on protein function. The variant was absent in 223540 control chromosomes (gnomAD). c.268A>T has been reported in the literature in individuals affected with clear cell renal cell carcinoma, predominantly indicated to be a somatic occurrence with no germline assessment (Cybulski_2004, Foster_1994, Khaliq_2014, Togo_2016). These reports do not provide unequivocal conclusions about association of the variant with Von Hippel-Lindau Syndrome. To our knowledge, no experimental evidence demonstrating an impact on protein function has been reported. No clinical diagnostic laboratories have submitted clinical-significance assessments for this variant to ClinVar after 2014. Although, multiple variants affecting the same codon, p.N90H, p.N90I, and surrounding codons, p.F91L, p.L89F, and p.L89P, have been reported in affected individuals, suggesting a mutational hotspot, important for protein function. Based on the evidence outlined above, the variant was classified as uncertain significance.

Literature cited by the submitters: PubMed 7881415; PubMed 26891804; PubMed 24727139; PubMed 27568332.